The following is an entry in ClinVar:

ClinVar aggregate classification (germline): Conflicting classifications of pathogenicity. Review status: criteria provided, conflicting classifications (1 of 4 stars). 3 submissions from 3 submitters: Uncertain significance (2); Likely benign (1). Last evaluated 2024-11-05.

Conditions:
Severe combined immunodeficiency due to DCLRE1C deficiency (RS-SCID). Also called: SCID, AUTOSOMAL RECESSIVE, T CELL-NEGATIVE, B CELL-NEGATIVE, NK CELL-POSITIVE, WITH SENSITIVITY TO IONIZING RADIATION. Identifiers: Orphanet 275, MedGen C1865371, MONDO:0011225, OMIM 602450.
Histiocytic medullary reticulosis. Also called: SEVERE COMBINED IMMUNODEFICIENCY WITH HYPEREOSINOPHILIA; Omenn syndrome. Identifiers: Orphanet 39041, MedGen C2700553, MONDO:0011338, OMIM 603554.

Allele frequency attached by ClinVar (database versions not stated): TOPMed 0.00003; gnomAD 0.00004; ExAC 0.00002; gnomAD exomes 0.00004 and 0.00003.
gnomAD v4.1: 52 of 1,614,006 alleles (0.0032%); highest among the groups gnomAD compares: Non-Finnish European, 0.0035%; no homozygotes.

Submissions (3):

Labcorp Genetics (formerly Invitae), Labcorp
Classification: Uncertain significance for Athabaskan severe combined immunodeficiency. Last evaluated: 2024-11-05. Review status: criteria provided, single submitter. Criteria: Invitae Variant Classification Sherloc (09022015). Collection method: clinical testing. Allele origin: germline.
Comment: This sequence change replaces asparagine, which is neutral and polar, with serine, which is neutral and polar, at codon 127 of the DCLRE1C protein (p.Asn127Ser). This variant is present in population databases (rs752558172, gnomAD 0.006%). This variant has not been reported in the literature in individuals affected with DCLRE1C-related conditions. ClinVar contains an entry for this variant (Variation ID: 1368041). Invitae Evidence Modeling of protein sequence and biophysical properties (such as structural, functional, and spatial information, amino acid conservation, physicochemical variation, residue mobility, and thermodynamic stability) indicates that this missense variant is not expected to disrupt DCLRE1C protein function with a negative predictive value of 80%. In summary, the available evidence is currently insufficient to determine the role of this variant in disease. Therefore, it has been classified as a Variant of Uncertain Significance.

Blueprint Genetics
Classification: Likely benign. Last evaluated: 2024-10-28. Review status: criteria provided, single submitter. Criteria: ACMG Guidelines, 2015. Collection method: clinical testing. Allele origin: germline.

Department of Pathology and Laboratory Medicine, Sinai Health System
Classification: Uncertain significance for Severe combined immunodeficiency due to DCLRE1C deficiency; Histiocytic medullary reticulosis. Last evaluated: 2021-01-28. Review status: criteria provided, single submitter. Criteria: ACMG Guidelines, 2015. Collection method: research. Allele origin: germline.

NM_001033855.3(DCLRE1C):c.380A>G (p.Asn127Ser)

Gene: DCLRE1C (DNA cross-link repair 1C; minus strand). Cytogenetic location: 10p13.
Variant type: single nucleotide variant.
Coding change: c.380A>G on transcript NM_001033855.3 (MANE Select); coding-DNA position 380, A replaced by G.
Protein change: p.Asn127Ser; replaces asparagine 127 with serine.
Molecular consequence: missense variant. On other transcripts: non-coding transcript variant (4).
Genome position (GRCh38, 1-based): chr10:14,935,547, T>C on the plus strand (A>G on the coding strand, the complement: DCLRE1C is on the minus strand). VCF-style: chr10-14935547-T-C. GRCh37 (hg19) VCF-style: chr10-14977546-T-C.
Other names: c.20A>G, p.Asn7Ser (NM_001033857.3, NM_001033858.3, NM_001289077.2 and 2 more transcripts); c.35A>G, p.Asn12Ser (NM_001289076.2, NM_001289078.2, NM_001350966.2 and 1 more transcripts); c.380A>G, p.Asn127Ser (NM_001350965.2); short protein forms N127S, N7S, N12S.
Identifiers: ClinVar variation 1368041 (VCV001368041.6), dbSNP rs752558172, ClinGen allele CA5416860.